The following is an entry in ClinVar:

NM_001069.3(TUBB2A):c.1108A>C (p.Asn370His)

Gene: TUBB2A (tubulin beta 2A class IIa; minus strand). Cytogenetic location: 6p25.2.
Variant type: single nucleotide variant.
Coding change: c.1108A>C on transcript NM_001069.3 (MANE Select); coding-DNA position 1108, A replaced by C.
Protein change: p.Asn370His; replaces asparagine 370 with histidine.
Molecular consequence: missense variant.
Genome position (GRCh38, 1-based): chr6:3,154,093, T>G on the plus strand (A>C on the coding strand, the complement: TUBB2A is on the minus strand). VCF-style: chr6-3154093-T-G. GRCh37 (hg19) VCF-style: chr6-3154327-T-G.
Other names: c.853A>C, p.Asn285His (NM_001310315.2); short protein forms N285H, N370H.
Identifiers: ClinVar variation 3898897 (VCV003898897.1).

ClinVar aggregate classification (germline): Uncertain significance (1 of 4 stars; one submission).

Submission:

GeneDx
Classification: Uncertain significance. Last evaluated: 2024-11-10. Review status: criteria provided, single submitter. Criteria: GeneDx Variant Classification Process June 2021. Collection method: clinical testing. Allele origin: germline. Affected: yes.
Comment: Not observed at significant frequency in large population cohorts (gnomAD); In silico analysis supports that this missense variant has a deleterious effect on protein structure/function; Has not been previously published as pathogenic or benign to our knowledge